The following is an entry in ClinVar:

NC_000008.11:g.85661920G>A

Variant type: single nucleotide variant.
Genome position: GRCh38 VCF-style: chr8-85661920-G-A. GRCh37 (hg19) VCF-style: chr8-86574149-G-A.
Identifiers: ClinVar variation 3905179 (VCV003905179.10).

ClinVar aggregate classification (germline): Likely benign (1 of 4 stars; one submission).

Submission:

CeGaT Center for Human Genetics Tuebingen
Classification: Likely benign. Last evaluated: 2025-05-01. Review status: criteria provided, single submitter. Criteria: CeGaT Center For Human Genetics Tuebingen Variant Classification Criteria Version 2. Collection method: clinical testing. Allele origin: germline. Affected: yes. Observed: 1 variant allele.
Comment: REXO1L1P: BP4, BP7